The following is an entry in ClinVar:

ClinVar aggregate classification (germline): Uncertain significance (1 of 4 stars; one submission).

Conditions:
KBG syndrome (KBGS). Also called: ANKRD11-Related KBG Syndrome. Identifiers: Orphanet 2332, MedGen C0220687, MONDO:0007846, OMIM 148050.

Submission:

Baylor Genetics
Classification: Uncertain significance for KBG syndrome. Last evaluated: 2018-06-15. Review status: criteria provided, single submitter. Criteria: ACMG Guidelines, 2015. Collection method: clinical testing. Allele origin: maternal. Affected: yes.
Comment: This variant was determined to be of uncertain significance according to ACMG Guidelines, 2015 [PMID:25741868].

NM_013275.6(ANKRD11):c.2184CAG[1] (p.Ser729del)

Gene: ANKRD11 (ankyrin repeat domain 11; minus strand). Cytogenetic location: 16q24.3.
Variant type: Microsatellite.
Coding change: c.2184CAG[1] on transcript NM_013275.6 (MANE Select); one copy of the 3-base unit CAG starting at c.2184; the reference has two copies in a row; one copy, 3 bases deleted.
Protein change: p.Ser729del; deletes serine 729.
Molecular consequence: inframe deletion.
Genome position (GRCh38, 1-based): chr16:89,284,353-89,284,355, CTG deleted on the plus strand (CAG on the coding strand, the reverse complement: ANKRD11 is on the minus strand); deleting any 3 consecutive bases within chr16:89,284,353-89,284,358 gives the same sequence; the position shown is the placement nearest the transcript's 3' end. VCF-style (leftmost placement, unchanged base first): chr16-89284352-CCTG-C. GRCh37 (hg19) VCF-style: chr16-89350760-CCTG-C.
Other names: c.2184CAG[1], p.Ser729del (NM_001256182.2, NM_001256183.2); short protein forms S729del.
Identifiers: ClinVar variation 1034410 (VCV001034410.1), dbSNP rs2034496534, ClinGen allele CA2241602502.
Genomic context (GRCh38, chr16:89,284,352, plus strand): 5'-TTCCTTCAGCGATCTCTCCTTTTCTGCTTTATTCGAACGGTCTTTCTCTTCTCGGAAAGA[CCTG>C]CTGATGTCTTTGTTTGTGTCTTTGATTCTCTTCAGTGATTTTTCATCTTTAAAGAGCCAT-3'